The following is an entry in ClinVar:

ClinVar aggregate classification (germline): Uncertain significance. Review status: criteria provided, multiple submitters, no conflicts (2 of 4 stars). 3 submissions from 3 submitters: Uncertain significance (3). Last evaluated 2026-05-01.

Conditions:
Ullrich congenital muscular dystrophy 2 (UCMD2). Identifiers: Orphanet 75840, MedGen C4225314, MONDO:0014654, OMIM 616470.
Bethlem myopathy 2 (BTHLM2). Identifiers: Orphanet 536516, Orphanet 610, MedGen C4225313, MONDO:0034022, OMIM 616471.
Inborn genetic diseases. Identifiers: MedGen C0950123, MeSH D030342.

Submissions (3):

CeGaT Center for Human Genetics Tuebingen
Classification: Uncertain significance. Last evaluated: 2026-05-01. Review status: criteria provided, single submitter. Criteria: CeGaT Center For Human Genetics Tuebingen Variant Classification Criteria Version 2. Collection method: clinical testing. Allele origin: germline. Affected: yes. Observed: 1 variant allele.
Comment: COL12A1: PM2, BP4

Ambry Genetics
Classification: Uncertain significance for Inborn genetic diseases. Last evaluated: 2025-01-18. Review status: criteria provided, single submitter. Criteria: Ambry Variant Classification Scheme 2023. Collection method: clinical testing. Allele origin: germline.

Labcorp Genetics (formerly Invitae), Labcorp
Classification: Uncertain significance for Bethlem myopathy 2; Ullrich congenital muscular dystrophy 2. Last evaluated: 2022-03-27. Review status: criteria provided, single submitter. Criteria: Invitae Variant Classification Sherloc (09022015). Collection method: clinical testing. Allele origin: germline.
Comment: In summary, the available evidence is currently insufficient to determine the role of this variant in disease. Therefore, it has been classified as a Variant of Uncertain Significance. Algorithms developed to predict the effect of missense changes on protein structure and function output the following: SIFT: "Tolerated"; PolyPhen-2: "Benign"; Align-GVGD: "Class C0". The glutamic acid amino acid residue is found in multiple mammalian species, which suggests that this missense change does not adversely affect protein function. This variant has not been reported in the literature in individuals affected with COL12A1-related conditions. This variant is not present in population databases (gnomAD no frequency). This sequence change replaces aspartic acid, which is acidic and polar, with glutamic acid, which is acidic and polar, at codon 26 of the COL12A1 protein (p.Asp26Glu).

NM_004370.6(COL12A1):c.78C>A (p.Asp26Glu)

Gene: COL12A1 (collagen type XII alpha 1 chain; minus strand). Cytogenetic location: 6q13.
Variant type: single nucleotide variant.
Coding change: c.78C>A on transcript NM_004370.6 (MANE Select); coding-DNA position 78, C replaced by A.
Protein change: p.Asp26Glu; replaces aspartic acid 26 with glutamic acid.
Molecular consequence: missense variant. On other transcripts: intron variant (1).
Genome position (GRCh38, 1-based): chr6:75,194,943, G>T on the plus strand (C>A on the coding strand, the complement: COL12A1 is on the minus strand). VCF-style: chr6-75194943-G-T. GRCh37 (hg19) VCF-style: chr6-75904659-G-T.
Other names: c.78C>A (NM_004370.5); c.73+7777C>A (NM_080645.3); short protein forms D26E.
Identifiers: ClinVar variation 1434008 (VCV001434008.9), dbSNP rs2149482865, ClinGen allele CA364732254.